The following is an entry in ClinVar:

ClinVar aggregate classification (germline): Pathogenic/Likely pathogenic. Review status: criteria provided, multiple submitters, no conflicts (2 of 4 stars). 2 submissions from 2 submitters: Pathogenic (1); Likely pathogenic (1). Last evaluated 2026-05-29.

Conditions:
Retinoblastoma (RB1). Also called: RETINOBLASTOMA, SOMATIC. Identifiers: Orphanet 790, MedGen C0035335, MeSH D012175, MONDO:0008380, OMIM 180200, HP:0009919. Disease mechanism: loss of function. Inheritance: Both sporadic and heritable forms are tested..

Submissions (2):

Diller/Parad Lab, Dana-Farber/Harvard Cancer Center
Classification: Likely pathogenic for Retinoblastoma. Last evaluated: 2026-05-29. Review status: criteria provided, single submitter. Criteria: ACMG Guidelines, 2015. Collection method: research. Allele origin: germline. Affected: yes. Observed: 2 variant alleles.
Comment: It has been classified as Likely Pathogenic using Richards et al (PMID:25741868) based on the following evidence codes: PM2, PVS1.

Genetic Diagnostic Laboratory, University of Pennsylvania School of Medicine
Classification: Pathogenic for Retinoblastoma. Last evaluated: 2024-05-20. Review status: criteria provided, single submitter. Criteria: ACMG Guidelines, 2015. Collection method: clinical testing. Allele origin: germline. Affected: yes. Observed: 1 variant allele.
Comment: Case and Pedigree Information: BILATERAL CASES:1, UNILATERAL CASES:0, TOTAL CASES:1, PEDIGREES:1. ACMG Codes Applied:PVS1, PM2

NM_000321.3(RB1):c.312del (p.Phe104fs)

Gene: RB1 (RB transcriptional corepressor 1; plus strand). Cytogenetic location: 13q14.2.
Variant type: Deletion.
Coding change: c.312del on transcript NM_000321.3 (MANE Select); coding-DNA position 312, one base deleted (T; older notation c.312delT).
Protein change: p.Phe104fs; shifts the reading frame from phenylalanine 104.
Molecular consequence: frameshift variant.
Genome position (GRCh38, 1-based): chr13:48,342,646, T deleted; the last of 3 consecutive T bases (chr13:48,342,644-48,342,646); deleting any one gives the same sequence. VCF-style (leftmost placement, unchanged base first): chr13-48342643-CT-C. GRCh37 (hg19) VCF-style: chr13-48916779-CT-C.
Other names: c.312del, p.Phe104fs (NM_001407165.1, NM_001407166.1); short protein forms F104fs.
Identifiers: ClinVar variation 3237123 (VCV003237123.2), dbSNP rs2542155996.